The following is an entry in ClinVar:

NM_003073.5(SMARCB1):c.31G>A (p.Gly11Arg)

Gene: SMARCB1 (SWI/SNF related BAF chromatin remodeling complex subunit B1; plus strand). Cytogenetic location: 22q11.23.
Variant type: single nucleotide variant.
Coding change: c.31G>A on transcript NM_003073.5 (MANE Select); coding-DNA position 31, G replaced by A.
Protein change: p.Gly11Arg; replaces glycine 11 with arginine.
Molecular consequence: missense variant.
Genome position (GRCh38, 1-based): chr22:23,787,200, G>A. VCF-style: chr22-23787200-G-A. GRCh37 (hg19) VCF-style: chr22-24129387-G-A.
Other names: c.31G>A, p.Gly11Arg (NM_001007468.3, NM_001317946.2, NM_001362877.2); c.31G>A (LRG_520t1); short protein forms G11R.
Identifiers: ClinVar variation 451032 (VCV000451032.5), dbSNP rs1555875308, ClinGen allele CA410930583.

ClinVar aggregate classification (germline): Conflicting classifications of pathogenicity. Review status: criteria provided, conflicting classifications (1 of 4 stars). 2 submissions from 2 submitters: Pathogenic (1); Uncertain significance (1). Last evaluated 2024-04-12.

Conditions:
Intellectual disability. Also called: Intellectual developmental disorder; Intellectual functioning disability; intellectual disabilities. Identifiers: MedGen C3714756, MeSH D008607, MONDO:0001071, HP:0001249.

Submissions (2):

GeneDx
Classification: Pathogenic. Last evaluated: 2024-04-12. Review status: criteria provided, single submitter. Criteria: GeneDx Variant Classification Process June 2021. Collection method: clinical testing. Allele origin: germline. Affected: yes.
Comment: Not observed at significant frequency in large population cohorts (gnomAD); In silico analysis supports that this missense variant has a deleterious effect on protein structure/function; This variant is associated with the following publications: (PMID: 30402882, 30631761, 33057194, 35982159, 26073604)

Diagnostic Laboratory, Strasbourg University Hospital
Classification: Uncertain significance for Intellectual disability. Last evaluated: 2020-09-10. Review status: criteria provided, single submitter. Criteria: ACMG Guidelines, 2015. Collection method: clinical testing. Allele origin: de novo. Affected: yes. Observed: 1 heterozygote.